The following is an entry in ClinVar:

NM_007294.4(BRCA1):c.5344T>A (p.Trp1782Arg)

Gene: BRCA1 (BRCA1 DNA repair associated; minus strand). Cytogenetic location: 17q21.31.
Variant type: single nucleotide variant.
Coding change: c.5344T>A on transcript NM_007294.4 (MANE Select); coding-DNA position 5344, T replaced by A.
Protein change: p.Trp1782Arg; replaces tryptophan 1782 with arginine.
Molecular consequence: missense variant. On other transcripts: non-coding transcript variant (1), intron variant (1).
Genome position (GRCh38, 1-based): chr17:43,049,183, A>T on the plus strand (T>A on the coding strand, the complement: BRCA1 is on the minus strand). VCF-style: chr17-43049183-A-T. GRCh37 (hg19) VCF-style: chr17-41201200-A-T.
Other names: c.1909T>A, p.Trp637Arg (NM_001408444.1, NM_001408437.1, NM_001408438.1 and 10 more transcripts); c.1906T>A, p.Trp636Arg (NM_001408445.1, NM_001408446.1, NM_001408447.1 and 2 more transcripts); c.1894T>A, p.Trp632Arg (NM_001408457.1, NM_001408452.1, NM_001408453.1 and 3 more transcripts); c.1891T>A, p.Trp631Arg (NM_001408458.1, NM_001408459.1, NM_001408460.1 and 7 more transcripts); c.1825T>A, p.Trp609Arg (NM_001408480.1, NM_001408478.1, NM_001408479.1); c.1822T>A, p.Trp608Arg (NM_001408481.1, NM_001408482.1, NM_001408483.1 and 5 more transcripts); c.1768T>A, p.Trp590Arg (NM_001408502.1, NM_001408503.1, NM_001408504.1); c.1765T>A, p.Trp589Arg (NM_001408505.1); and 73 more; short protein forms W1735R, W1782R, W678R, W1803R, W1613R, W1654R, W1669R, W1711R.
Identifiers: ClinVar variation 868357 (VCV000868357.3), dbSNP rs2051093708, ClinGen allele CA10590776.

Conditions:
Breast-ovarian cancer, familial, susceptibility to, 1 (BROVCA1). Also called: BRCA1 Hereditary Breast and Ovarian Cancer; OVARIAN CANCER, SUSCEPTIBILITY TO. Identifiers: Orphanet 145, MedGen C2676676, MONDO:0011450, OMIM 604370. Disease mechanism: loss of function.

Submission:

Brotman Baty Institute, University of Washington
No classification provided (evidence only). Condition: Breast-ovarian cancer, familial 1. Review status: no classification provided. Collection method: in vitro. Allele origin: not applicable. Functional consequence: functionally_normal.
ClinVar note: "not provided" was previously submitted as the classification for the variant. However, the classification appeared to be based only on an observation of functional data so it was converted to no classification on 2025-07-30.